The following is an entry in ClinVar:

NM_002382.5(MAX):c.357_358insT (p.Asn120Ter)

Gene: MAX (MYC associated transcriptional regulator X; minus strand). Cytogenetic location: 14q23.3.
Variant type: Insertion.
Coding change: c.357_358insT on transcript NM_002382.5 (MANE Select); coding-DNA positions 357 to 358, T inserted.
Protein change: p.Asn120Ter; replaces asparagine 120 with a stop codon.
Molecular consequence: nonsense. On other transcripts: 3 prime UTR variant (12), non-coding transcript variant (7), intron variant (2).
Genome position: GRCh38 VCF-style: chr14-65076601-T-TA. GRCh37 (hg19) VCF-style: chr14-65543319-T-TA.
Other names: c.168_169insT, p.Asn57Ter (NM_001320415.2, NM_001407105.1, NM_001407106.1 and 1 more transcripts); c.357_358insT, p.Asn120Ter (NM_001407094.1); c.330_331insT, p.Asn111Ter (NM_001407095.1, NM_145112.3); c.*130_*131insT (NM_001407096.1, NM_001407099.1, NM_001407102.1 and 2 more transcripts); c.*146_*147insT (NM_001407097.1, NM_001407100.1, NM_001407101.1 and 4 more transcripts); c.249_250insT, p.Asn84Ter (NM_001407098.1); c.156_157insT, p.Asn53Ter (NM_001407111.1, NM_001407112.1); c.144+17106_144+17107insT (NM_001271069.2); and 1 more; short protein forms N84*, N111*, N120*, N53*, N57*.
Identifiers: ClinVar variation 3543690 (VCV003543690.1).

ClinVar aggregate classification (germline): Uncertain significance (1 of 4 stars; one submission).

Conditions:
Hereditary cancer-predisposing syndrome. Also called: Hereditary Cancer Syndrome; Hereditary neoplastic syndrome; Tumor predisposition; Neoplastic Syndromes, Hereditary. Identifiers: Orphanet 140162, MedGen C0027672, MeSH D009386, MONDO:0015356.

Submission:

Ambry Genetics
Classification: Uncertain significance for Hereditary cancer-predisposing syndrome. Last evaluated: 2024-08-19. Review status: criteria provided, single submitter. Criteria: Ambry Variant Classification Scheme 2023. Collection method: clinical testing. Allele origin: germline.
Comment: The c.357_358insT variant, located in coding exon 5 of the MAX gene, results from an insertion of one nucleotide at position 357, causing a translational frameshift with a predicted alternate stop codon (p.N120*). This alteration occurs at the 3' terminus of theMAX gene, is not expected to trigger nonsense-mediated mRNAdecay, and only impacts the last 25% of the protein. The exact functional effect of this alteration is unknown. Based on the available evidence, the clinical significance of this variant remains unclear.